The following is an entry in ClinVar:

ClinVar aggregate classification (germline): Uncertain significance (1 of 4 stars; one submission).

gnomAD v4.1: 1 of 1,613,932 alleles (0.000062%); highest among the groups gnomAD compares: Non-Finnish European, 0.000085%; no homozygotes.

Submission:

Labcorp Genetics (formerly Invitae), Labcorp
Classification: Uncertain significance. Last evaluated: 2025-01-26. Review status: criteria provided, single submitter. Criteria: Invitae Variant Classification Sherloc (09022015). Collection method: clinical testing. Allele origin: germline.
Comment: This sequence change falls in intron 5 of the MBD4 gene. It does not directly change the encoded amino acid sequence of the MBD4 protein. It affects a nucleotide within the consensus splice site. This variant is not present in population databases (gnomAD no frequency). This variant has not been reported in the literature in individuals affected with MBD4-related conditions. Variants that disrupt the consensus splice site are a relatively common cause of aberrant splicing (PMID: 17576681, 9536098). Algorithms developed to predict the effect of sequence changes on RNA splicing suggest that this variant may disrupt the consensus splice site. In summary, the available evidence is currently insufficient to determine the role of this variant in disease. Therefore, it has been classified as a Variant of Uncertain Significance.

Literature cited by the submitters: PubMed 17576681; PubMed 9536098.

NM_001276270.2(MBD4):c.1394-3C>G

Gene: MBD4 (methyl-CpG binding domain 4, DNA glycosylase; minus strand). Cytogenetic location: 3q21.3.
Variant type: single nucleotide variant.
Coding change: c.1394-3C>G on transcript NM_001276270.2 (MANE Select); 3 bases into the intron before coding-DNA position 1394, C replaced by G.
Molecular consequence: intron variant.
Genome position (GRCh38, 1-based): chr3:129,433,250, G>C on the plus strand (C>G on the coding strand, the complement: MBD4 is on the minus strand). VCF-style: chr3-129433250-G-C. GRCh37 (hg19) VCF-style: chr3-129152093-G-C.
Other names: c.458-3C>G (NM_001276273.2); c.1412-3C>G (NM_001276272.2, NM_003925.3, NM_001276271.2).
Identifiers: ClinVar variation 3682171 (VCV003682171.2).
Genomic context (GRCh38, chr3:129,433,250, plus strand): 5'-ACCTCAGCTGAAGGATACTTCTCCAGAAACTTCCAAAGCACAGGTATTGCCATTTTGCCT[G>C]GGAAGTAAAAGTAACTGAATGATTACAAGACTCCAGGTGGGCTGATTTCATGTTCAAGTA-3'